The following is an entry in ClinVar:

ClinVar aggregate classification (germline): Pathogenic. Review status: reviewed by expert panel (3 of 4 stars). 50 submissions from 49 submitters: Pathogenic (1). 49 of the submissions do not count toward it. Last evaluated 2016-04-22.

Conditions:
Wilms tumor 1 (WT1). Also called: Wilms tumor, somatic. Identifiers: Orphanet 654, MedGen CN033288, MONDO:0008679, OMIM 194070.
Medulloblastoma (MDB). Also called: MEDULLOBLASTOMA PREDISPOSITION SYNDROME; Medulloblastoma, somatic. Identifiers: Orphanet 616, MedGen C0025149, MeSH D008527, MONDO:0007959, OMIM 155255, HP:0002885.
Familial prostate cancer. Also called: Hereditary Prostate Cancer. Identifiers: MedGen C2931456, MONDO:0700275, OMIM 176807.
Glioma susceptibility 3 (GLM3). Also called: Glioblastoma 3. Identifiers: Orphanet 182067, Orphanet 360, MedGen C2751641, MONDO:0013093, OMIM 613029.
Fanconi anemia complementation group D1. Also called: BRCA2-Related Fanconi Anemia. Identifiers: Orphanet 319462, MedGen C1838457, MONDO:0011584, OMIM 605724.
Pancreatic cancer, susceptibility to, 2. Identifiers: Orphanet 1333, MedGen C3150546, MONDO:0013235, OMIM 613347.
Breast-ovarian cancer, familial, susceptibility to, 2 (BROVCA2). Also called: BRCA2 Hereditary Breast and Ovarian Cancer. Identifiers: Orphanet 145, MedGen C2675520, MONDO:0012933, OMIM 612555. Disease mechanism: loss of function.
Familial cancer of breast. Also called: Hereditary breast cancer; BREAST CANCER, FAMILIAL; hereditary breast carcinoma. Identifiers: Orphanet 227535, MedGen C0346153, MONDO:0016419, OMIM 114480. Disease mechanism: loss of function.
Inherited ovarian cancer (without breast cancer).
Inherited breast cancer and ovarian cancer.
BRCA2-related cancer predisposition. Identifiers: MedGen CN377758, MONDO:0700269.
BRCA2-related disorder. Also called: BRCA2-related condition; BRCA2-related disorders. Identifiers: MedGen CN239275.
Gastric cancer. Also called: Malignant tumor of stomach; Stomach cancer. Identifiers: MedGen C0024623, MeSH D013274, MONDO:0001056, OMIM 613659, HP:0012126.
Hereditary cancer-predisposing syndrome. Also called: Neoplastic Syndromes, Hereditary; Tumor predisposition; Hereditary Cancer Syndrome; Hereditary neoplastic syndrome. Identifiers: Orphanet 140162, MedGen C0027672, MeSH D009386, MONDO:0015356.
Breast and/or ovarian cancer. Identifiers: MedGen CN221562.
Hereditary breast ovarian cancer syndrome. Also called: Hereditary breast and ovarian cancer; Hereditary breast and ovarian cancer syndrome; Hereditary breast and ovarian cancer syndrome (HBOC); Hereditary breast and/or ovarian cancer syndrome; Breast and ovarian cancer; BRCA1- and BRCA2-Associated Hereditary Breast and Ovarian Cancer. Identifiers: Orphanet 145, MedGen C0677776, MeSH D061325, MONDO:0003582. Disease mechanism: loss of function.
Breast-ovarian cancer, familial, susceptibility to, 1 (BROVCA1). Also called: BRCA1 Hereditary Breast and Ovarian Cancer; OVARIAN CANCER, SUSCEPTIBILITY TO. Identifiers: Orphanet 145, MedGen C2676676, MONDO:0011450, OMIM 604370. Disease mechanism: loss of function.

Submissions 1 to 8 of 50:

Evidence-based Network for the Interpretation of Germline Mutant Alleles (ENIGMA)
Classification: Pathogenic for Breast-ovarian cancer, familial, susceptibility to, 2. Last evaluated: 2016-04-22. Review status: reviewed by expert panel. Criteria: ENIGMA BRCA1/2 Classification Criteria (2015). Collection method: curation. Allele origin: germline.
Comment: Variant allele predicted to encode a truncated non-functional protein.

Genetics Laboratory, Great Ormond Street Hospital NHS Foundation Trust, North Thames Genomic Laboratory Hub
Classification: Pathogenic for Inherited ovarian cancer (without breast cancer). Last evaluated: 2026-05-07. Review status: criteria provided, single submitter. Criteria: CanVIG BRCA Gene Specific V1.22. Collection method: clinical testing. Allele origin: germline. Affected: yes. Not counted in ClinVar's aggregate classification.
Comment: PS4_very-strong, PM2_supporting, PVS1_very-strong, PM5_strong

Genetics Laboratory, Great Ormond Street Hospital NHS Foundation Trust, North Thames Genomic Laboratory Hub
Classification: Pathogenic for Inherited breast cancer and ovarian cancer. Last evaluated: 2026-05-07. Review status: criteria provided, single submitter. Criteria: CanVIG BRCA Gene Specific V1.22. Collection method: clinical testing. Allele origin: germline. Affected: yes. Not counted in ClinVar's aggregate classification.
Comment: the same text as in the submission from Genetics Laboratory, Great Ormond Street Hospital NHS Foundation Trust, North Thames Genomic Laboratory Hub above.

Labcorp Genetics (formerly Invitae), Labcorp
Classification: Pathogenic for Hereditary breast ovarian cancer syndrome. Last evaluated: 2026-02-03. Review status: criteria provided, single submitter. Criteria: Invitae Variant Classification Sherloc (09022015). Collection method: clinical testing. Allele origin: germline. Not counted in ClinVar's aggregate classification.
Comment: This sequence change creates a premature translational stop signal (p.Leu1908Argfs*2) in the BRCA2 gene. It is expected to result in an absent or disrupted protein product. Loss-of-function variants in BRCA2 are known to be pathogenic (PMID: 20104584). This variant is present in population databases (rs80359530, gnomAD 0.003%). This premature translational stop signal has been observed in individual(s) with breast cancer (PMID: 8524414, 20736950, 20927582, 21324516, 22535016, 23028338, 24963353, 25940717, 27553291). It has also been observed to segregate with disease in related individuals. This variant is also known as 5950delCT. For these reasons, this variant has been classified as Pathogenic.

PreventionGenetics, part of Exact Sciences
Classification: Pathogenic for BRCA2-related condition. Last evaluated: 2026-01-09. Review status: criteria provided, single submitter. Criteria: ACMG Guidelines, 2015. Collection method: clinical testing. Allele origin: germline. Not counted in ClinVar's aggregate classification.
Comment: The BRCA2 c.5722_5723delCT variant is predicted to result in a frameshift and premature protein termination (p.Leu1908Argfs*2). In the literature this variant is also referred to as c.5946delCT or c.5950delCT. This variant has been reported in individuals with breast and/or ovarian cancer (Family IARC 3594, Wooster et al. 1995. PubMed ID: 8524414; Zhang et al. 2011. PubMed ID: 21324516; Heidemann et al. 2012. PubMed ID: 22535016; de Juan et al. 2015. PubMed ID: 26026974; Table S1, Rashid et al. 2016. PubMed ID: 27553291; Jakimovska et al. 2018. PubMed ID: 29335924), prostate cancer (Edwards et al. 2010. PubMed ID: 20736950; Na et al. 2016. PubMed ID: 27989354) and pancreatic cancer (Holter et al. 2015. PubMed ID: 25940717). This variant is reported in 0.0033% of alleles in individuals of South Asian descent in gnomAD and is interpreted as pathogenic in ClinVar (Variation ID: 9320). Frameshift variants in BRCA2 are expected to be pathogenic. This variant is interpreted as pathogenic.

Center for Genomic Medicine, Rigshospitalet, Copenhagen University Hospital
Classification: Pathogenic. Last evaluated: 2025-12-29. Review status: criteria provided, single submitter. Criteria: ACMG Guidelines, 2015. Collection method: clinical testing. Allele origin: germline. Not counted in ClinVar's aggregate classification.
Comment: Classification criteria: PVS1, PM5_strong

CeGaT Center for Human Genetics Tuebingen
Classification: Pathogenic. Last evaluated: 2025-10-01. Review status: criteria provided, single submitter. Criteria: CeGaT Center For Human Genetics Tuebingen Variant Classification Criteria Version 2. Collection method: clinical testing. Allele origin: germline. Affected: yes. Observed: 11 variant alleles. Not counted in ClinVar's aggregate classification.
Comment: BRCA2: PVS1, PM2, PS4:Moderate

Ambry Genetics
Classification: Pathogenic for Hereditary cancer-predisposing syndrome. Last evaluated: 2025-07-28. Review status: criteria provided, single submitter. Criteria: Ambry Variant Classification Scheme 2023. Collection method: clinical testing. Allele origin: germline. Not counted in ClinVar's aggregate classification.
Comment: The c.5722_5723delCT (p.L1908Rfs*2) alteration, located in exon 11 (coding exon 10) of the BRCA2 gene, consists of a deletion of 2 nucleotides from position 5722 to 5723, causing a translational frameshift with a predicted alternate stop codon after 2 amino acids. This alteration is expected to result in loss of function by premature protein truncation or nonsense-mediated mRNA decay. Based on data from gnomAD, this allele has an overall frequency of <0.001% (1/250888) total alleles studied. The highest observed frequency was 0.003% (1/30598) of South Asian alleles. This mutation has been reported in multiple hereditary breast and ovarian cancer (HBOC) syndrome cohorts, including individuals with male breast cancer, pancreatic cancer and prostate cancer (Wooster, 1995; Edwards, 2010; Cherbal, 2010; Ding, 2011; Zhang, 2011; Konstantopoulou, 2014; Johns, 2014; Ruiz, 2014; Kang, 2015; Holter, 2015; de Juan, 2015; Rashid, 2016; Na, 2017; Sun, 2017; Singh, 2018; Momozawa, 2018; Wang, 2019; Guo, 2019; Deng, 2019; De Talhouet, 2020; Shao, 2020; Abdel-Razeq, 2021). Of note, this mutation is also designated as 5950delCT and c.5718_5719del in published literature. Based on the available evidence, this alteration is classified as pathogenic.

NM_000059.4(BRCA2):c.5722_5723del (p.Leu1908fs)

Gene: BRCA2 (BRCA2 DNA repair associated; plus strand). Cytogenetic location: 13q13.1.
Variant type: Microsatellite.
Coding change: c.5722_5723del on transcript NM_000059.4 (MANE Select); coding-DNA positions 5722 to 5723, 2 bases deleted (CT; older notation c.5722_5723delCT).
Protein change: p.Leu1908fs; shifts the reading frame from leucine 1908.
Molecular consequence: frameshift variant.
Genome position (GRCh38, 1-based): chr13:32,340,077-32,340,078, CT deleted; deleting any 2 consecutive bases within chr13:32,340,073-32,340,078 gives the same sequence; the c. name uses the placement nearest the transcript's 3' end. VCF-style (leftmost placement, unchanged base first): chr13-32340072-ACT-A. GRCh37 (hg19) VCF-style: chr13-32914209-ACT-A.
Other names: 5946delCT; 5950_5951delCT; p.Leu1908ArgfsTer2; 5950delCT; c.5718_5719del (NM_000059.3); c.5722_5723delCT (NM_000059.3); short protein forms L1908fs.
Identifiers: ClinVar variation 9320 (VCV000009320.122), dbSNP rs80359530, ClinGen allele CA023040.
Genomic context (GRCh38, chr13:32,340,072, plus strand): 5'-AAACGAAAATTATGGCAGGTTGTTACGAGGCATTGGATGATTCAGAGGATATTCTTCATA[ACT>A]CTCTAGATAATGATGAATGTAGCACGCATTCACATAAGGTTTTTGCTGACATTCAGAGTG-3'